The following is an entry in ClinVar:

NM_177438.3(DICER1):c.4472G>A (p.Ser1491Asn)

Gene: DICER1 (dicer 1, ribonuclease III; minus strand). Cytogenetic location: 14q32.13.
Variant type: single nucleotide variant.
Coding change: c.4472G>A on transcript NM_177438.3 (MANE Select); coding-DNA position 4472, G replaced by A.
Protein change: p.Ser1491Asn; replaces serine 1491 with asparagine.
Molecular consequence: missense variant.
Genome position (GRCh38, 1-based): chr14:95,096,448, C>T on the plus strand (G>A on the coding strand, the complement: DICER1 is on the minus strand). VCF-style: chr14-95096448-C-T. GRCh37 (hg19) VCF-style: chr14-95562785-C-T.
Other names: c.4472G>A, p.Ser1491Asn (NM_001291628.2, NM_030621.4, NM_001195573.1 and 1 more transcripts); c.4472G>A (NM_177438.2); short protein forms S1491N.
Identifiers: ClinVar variation 1368697 (VCV001368697.8), dbSNP rs878855267, ClinGen allele CA390868249.

ClinVar aggregate classification (germline): Conflicting classifications of pathogenicity. Review status: criteria provided, conflicting classifications (1 of 4 stars). 2 submissions from 2 submitters: Uncertain significance (1); Likely benign (1). Last evaluated 2025-06-07.

Conditions:
DICER1-related tumor predisposition. Also called: DICER1-related pleuropulmonary blastoma cancer predisposition syndrome; DICER1 syndrome. Identifiers: Orphanet 284343, MedGen C3839822, MONDO:0100216.
Hereditary cancer-predisposing syndrome. Also called: Hereditary neoplastic syndrome; Hereditary Cancer Syndrome; Neoplastic Syndromes, Hereditary; Tumor predisposition. Identifiers: Orphanet 140162, MedGen C0027672, MeSH D009386, MONDO:0015356.

Submissions (2):

Labcorp Genetics (formerly Invitae), Labcorp
Classification: Uncertain significance for DICER1-related tumor predisposition. Last evaluated: 2025-06-07. Review status: criteria provided, single submitter. Criteria: Invitae Variant Classification Sherloc (09022015). Collection method: clinical testing. Allele origin: germline.
Comment: This sequence change replaces serine, which is neutral and polar, with asparagine, which is neutral and polar, at codon 1491 of the DICER1 protein (p.Ser1491Asn). This variant is not present in population databases (gnomAD no frequency). This variant has not been reported in the literature in individuals affected with DICER1-related conditions. ClinVar contains an entry for this variant (Variation ID: 1368697). Invitae Evidence Modeling of protein sequence and biophysical properties (such as structural, functional, and spatial information, amino acid conservation, physicochemical variation, residue mobility, and thermodynamic stability) indicates that this missense variant is not expected to disrupt DICER1 protein function with a negative predictive value of 95%. In summary, the available evidence is currently insufficient to determine the role of this variant in disease. Therefore, it has been classified as a Variant of Uncertain Significance.

Ambry Genetics
Classification: Likely benign for Hereditary cancer-predisposing syndrome. Last evaluated: 2024-05-28. Review status: criteria provided, single submitter. Criteria: Ambry Variant Classification Scheme 2023. Collection method: clinical testing. Allele origin: germline.